The following is an entry in ClinVar:

NM_015404.4(WHRN):c.794G>A (p.Arg265Gln)

Gene: WHRN (whirlin; minus strand). Cytogenetic location: 9q32.
Variant type: single nucleotide variant.
Coding change: c.794G>A on transcript NM_015404.4 (MANE Select); coding-DNA position 794, G replaced by A.
Protein change: p.Arg265Gln; replaces arginine 265 with glutamine.
Molecular consequence: missense variant. On other transcripts: 5 prime UTR variant (1).
Genome position (GRCh38, 1-based): chr9:114,478,596, C>T on the plus strand (G>A on the coding strand, the complement: WHRN is on the minus strand). VCF-style: chr9-114478596-C-T. GRCh37 (hg19) VCF-style: chr9-117240876-C-T.
Other names: c.-356G>A (NM_001083885.3); c.794G>A, p.Arg265Gln (NM_001173425.2); short protein forms R265Q.
Identifiers: ClinVar variation 1913769 (VCV001913769.3), dbSNP rs753099999, ClinGen allele CA5206196.
Genomic context (GRCh38, chr9:114,478,596, plus strand): 5'-TTCCCCACCCCACTCACCTTTTTCTCATCCCCTCCTTGCAGGAGGTGCAGGGTGCTCCTC[C>T]GGTCACCCTCCTGCTGCCTCAGGGCACCACCGTGGGGCTGGGGCAGGCCCGAGGGTGGGG-3'
Protein context (NP_056219.3, residues 255-275): GGALRQQEGD[Arg265Gln]RSTLHLLQGG

ClinVar aggregate classification (germline): Uncertain significance (1 of 4 stars; one submission).

Allele frequency attached by ClinVar (database versions not stated): gnomAD exomes 0.00001; ExAC 0.00002; gnomAD 0.00002; TOPMed 0.00002.
gnomAD v4.1: 14 of 1,613,954 alleles (0.00087%); highest among the groups gnomAD compares: African/African-American, 0.004%; no homozygotes.

Submission:

Labcorp Genetics (formerly Invitae), Labcorp
Classification: Uncertain significance. Last evaluated: 2022-07-21. Review status: criteria provided, single submitter. Criteria: Invitae Variant Classification Sherloc (09022015). Collection method: clinical testing. Allele origin: germline.
Comment: In summary, the available evidence is currently insufficient to determine the role of this variant in disease. Therefore, it has been classified as a Variant of Uncertain Significance. Algorithms developed to predict the effect of missense changes on protein structure and function output the following: SIFT: "Deleterious"; PolyPhen-2: "Benign"; Align-GVGD: "Class C0". The glutamine amino acid residue is found in multiple mammalian species, which suggests that this missense change does not adversely affect protein function. This variant has not been reported in the literature in individuals affected with WHRN-related conditions. This variant is present in population databases (rs753099999, gnomAD 0.008%). This sequence change replaces arginine, which is basic and polar, with glutamine, which is neutral and polar, at codon 265 of the WHRN protein (p.Arg265Gln).